The following is an entry in ClinVar:

NM_032228.6(FAR1):c.887+5A>G

Gene: FAR1 (fatty acyl-CoA reductase 1; plus strand). Cytogenetic location: 11p15.3.
Variant type: single nucleotide variant.
Coding change: c.887+5A>G on transcript NM_032228.6 (MANE Select); 5 bases into the intron after coding-DNA position 887, A replaced by G.
Molecular consequence: intron variant.
Genome position (GRCh38, 1-based): chr11:13,712,051, A>G. VCF-style: chr11-13712051-A-G. GRCh37 (hg19) VCF-style: chr11-13733598-A-G.
Identifiers: ClinVar variation 2090520 (VCV002090520.4), dbSNP rs1300089246, ClinGen allele CA673828005.

ClinVar aggregate classification (germline): Uncertain significance (1 of 4 stars; one submission).

Allele frequency attached by ClinVar (database versions not stated): gnomAD 0.00001; TOPMed 0.00001.
gnomAD v4.1: 3 of 1,563,914 alleles (0.00019%); highest among the groups gnomAD compares: African/African-American, 0.0027%; no homozygotes.

Submission:

Labcorp Genetics (formerly Invitae), Labcorp
Classification: Uncertain significance. Last evaluated: 2022-08-11. Review status: criteria provided, single submitter. Criteria: Invitae Variant Classification Sherloc (09022015). Collection method: clinical testing. Allele origin: germline.
Comment: In summary, the available evidence is currently insufficient to determine the role of this variant in disease. Therefore, it has been classified as a Variant of Uncertain Significance. Variants that disrupt the consensus splice site are a relatively common cause of aberrant splicing (PMID: 17576681, 9536098). Algorithms developed to predict the effect of sequence changes on RNA splicing suggest that this variant may disrupt the consensus splice site. This sequence change falls in intron 7 of the FAR1 gene. It does not directly change the encoded amino acid sequence of the FAR1 protein. It affects a nucleotide within the consensus splice site. This variant is not present in population databases (gnomAD no frequency). This variant has not been reported in the literature in individuals affected with FAR1-related conditions.

Literature cited by the submitters: PubMed 17576681; PubMed 9536098.